The following is an entry in ClinVar:

ClinVar aggregate classification (germline): Uncertain significance (1 of 4 stars; one submission).

Conditions:
Genitopatellar syndrome (GTPTS). Also called: Genitopatellar syndrome (GPS); ABSENT PATELLAE, SCROTAL HYPOPLASIA, RENAL ANOMALIES, FACIAL DYSMORPHISM, AND MENTAL RETARDATION. Identifiers: Orphanet 85201, MedGen C1853566, MONDO:0011640, OMIM 606170.
Blepharophimosis - intellectual disability syndrome, SBBYS type (SBBYSS). Also called: Say-Barber-Biesecker-Young-Simpson syndrome; Say-Barber-Biesecker variant of Ohdo syndrome (SBBYSS); Say-Barber-Biesecker-Young-Simpson variant of Ohdo Syndrome; Ohdo syndrome, SBBYS variant; Young Simpson syndrome; Mental retardation unusual facies hypothyroidism. Identifiers: Orphanet 3047, MedGen C1863557, MONDO:0011365, OMIM 603736.

gnomAD v4.1: 2 of 1,614,102 alleles (0.00012%); highest among the groups gnomAD compares: Non-Finnish European, 0.00017%; no homozygotes.

Submission:

Juno Genomics, Hangzhou Juno Genomics, Inc
Classification: Uncertain significance for Genitopatellar syndrome; Blepharophimosis - intellectual disability syndrome, SBBYS type. Review status: criteria provided, single submitter. Criteria: ACMG Guidelines, 2015. Collection method: clinical testing. Allele origin: germline.
Comment: Absent from controls (or at extremely low frequency if recessive) in Genome Aggregation Database.;Missense variant in a gene that has a low rate of benign missense variation.

NM_012330.4(KAT6B):c.1253C>T (p.Thr418Ile)

Gene: KAT6B (lysine acetyltransferase 6B; plus strand). Cytogenetic location: 10q22.2.
Variant type: single nucleotide variant.
Coding change: c.1253C>T on transcript NM_012330.4 (MANE Select); coding-DNA position 1253, C replaced by T.
Protein change: p.Thr418Ile; replaces threonine 418 with isoleucine.
Molecular consequence: missense variant. On other transcripts: intron variant (11).
Genome position (GRCh38, 1-based): chr10:74,975,590, C>T. VCF-style: chr10-74975590-C-T. GRCh37 (hg19) VCF-style: chr10-76735348-C-T.
Other names: c.1253C>T, p.Thr418Ile (NM_001256468.2, NM_001370136.1, NM_001370137.1 and 1 more transcripts); c.1117+136C>T (NM_001370139.1, NM_001370140.1, NM_001370141.1 and 3 more transcripts); c.846+5815C>T (NM_001370133.1); c.193-3634C>T (NM_001370134.1); c.929-1726C>T (NM_001370143.1, NM_001370144.1); c.193-13429C>T (NM_001370135.1); short protein forms T418I.
Identifiers: ClinVar variation 5019534 (VCV005019534.2).
Genomic context (GRCh38, chr10:74,975,590, plus strand): 5'-GATTGGCTGTTACAGACCCCACTCGGCCTGGTGCCACCACCAAAATCACCACCACCTCCA[C>T]CTACATTTCTGCCTCTACACTTAAAGTTAACAAGAAAACCAAAGGGCTCATTGATGGCCT-3'
Protein context (NP_036462.2, residues 408-428): GATTKITTTS[Thr418Ile]YISASTLKVN